The following is an entry in ClinVar:

ClinVar aggregate classification (germline): Uncertain significance. Review status: criteria provided, multiple submitters, no conflicts (2 of 4 stars). 2 submissions from 2 submitters: Uncertain significance (2). Last evaluated 2026-01-05.

Conditions:
Autosomal recessive ataxia, Beauce type. Also called: ATAXIA, RECESSIVE, OF BEAUCE; Spinocerebellar ataxia, autosomal recessive 8; SYNE1-Related Autosomal Recessive Cerebellar Ataxia; SYNE1 Deficiency. Identifiers: Orphanet 88644, MedGen C1853116, MONDO:0012549, OMIM 610743.
Emery-Dreifuss muscular dystrophy 4, autosomal dominant (EDMD4). Also called: EMERY-DREIFUSS MUSCULAR DYSTROPHY 4 WITH VARIABLE FEATURES. Identifiers: Orphanet 261, MedGen C2751807, MONDO:0013071, OMIM 612998.

Allele frequency attached by ClinVar (database versions not stated): gnomAD 0.00004; ExAC 0.00005; TOPMed 0.00005; gnomAD exomes 0.00008 and 0.00003.
gnomAD v4.1: 47 of 1,613,972 alleles (0.0029%); highest among the groups gnomAD compares: Admixed American, 0.015%; no homozygotes.

Submissions (2):

Labcorp Genetics (formerly Invitae), Labcorp
Classification: Uncertain significance for Emery-Dreifuss muscular dystrophy 4, autosomal dominant; Autosomal recessive ataxia, Beauce type. Last evaluated: 2026-01-05. Review status: criteria provided, single submitter. Criteria: Invitae Variant Classification Sherloc (09022015). Collection method: clinical testing. Allele origin: germline.
Comment: This sequence change falls in intron 26 of the SYNE1 gene. It does not directly change the encoded amino acid sequence of the SYNE1 protein. It affects a nucleotide within the consensus splice site. This variant is present in population databases (rs747984490, gnomAD 0.03%). This variant has not been reported in the literature in individuals affected with SYNE1-related conditions. ClinVar contains an entry for this variant (Variation ID: 1021743). Variants that disrupt the consensus splice site are a relatively common cause of aberrant splicing (PMID: 17576681, 9536098). Algorithms developed to predict the effect of sequence changes on RNA splicing suggest that this variant is not likely to affect RNA splicing. In summary, the available evidence is currently insufficient to determine the role of this variant in disease. Therefore, it has been classified as a Variant of Uncertain Significance.

Athena Diagnostics
Classification: Uncertain significance. Last evaluated: 2021-12-28. Review status: criteria provided, single submitter. Criteria: Athena Diagnostics Criteria. Collection method: clinical testing. Allele origin: unknown.

Literature cited by the submitters: PubMed 17576681 (cited by Labcorp Genetics (formerly Invitae), Labcorp); PubMed 9536098 (cited by Labcorp Genetics (formerly Invitae), Labcorp).

NM_182961.4(SYNE1):c.3186+4C>T

Gene: SYNE1 (spectrin repeat containing nuclear envelope protein 1; minus strand). Cytogenetic location: 6q25.2.
Variant type: single nucleotide variant.
Coding change: c.3186+4C>T on transcript NM_182961.4 (MANE Select); 4 bases into the intron after coding-DNA position 3186, C replaced by T.
Molecular consequence: intron variant.
Genome position (GRCh38, 1-based): chr6:152,451,043, G>A on the plus strand (C>T on the coding strand, the complement: SYNE1 is on the minus strand). VCF-style: chr6-152451043-G-A. GRCh37 (hg19) VCF-style: chr6-152772178-G-A.
Other names: c.3207+4C>T (NM_033071.5).
Identifiers: ClinVar variation 1021743 (VCV001021743.7), dbSNP rs747984490, ClinGen allele CA4058906.